The following is an entry in ClinVar:

ClinVar aggregate classification (germline): Likely benign (1 of 4 stars; one submission).

gnomAD v4.1: 4 of 1,613,632 alleles (0.00025%); highest among the groups gnomAD compares: Non-Finnish European, 0.00034%; no homozygotes.

Submission:

CeGaT Center for Human Genetics Tuebingen
Classification: Likely benign. Last evaluated: 2026-06-01. Review status: criteria provided, single submitter. Criteria: CeGaT Center For Human Genetics Tuebingen Variant Classification Criteria Version 2. Collection method: clinical testing. Allele origin: germline. Affected: yes. Observed: 1 variant allele.
Comment: DMXL2: BP4, BP7

NM_001378457.1(DMXL2):c.1008C>G (p.Pro336=)

Gene: DMXL2 (Dmx like 2; minus strand). Cytogenetic location: 15q21.2.
Variant type: single nucleotide variant.
Coding change: c.1008C>G on transcript NM_001378457.1 (MANE Select); coding-DNA position 1008, C replaced by G.
Protein change: p.Pro336=; no amino-acid change (proline 336 retained).
Molecular consequence: synonymous variant. On other transcripts: non-coding transcript variant (2).
Genome position (GRCh38, 1-based): chr15:51,542,430, G>C on the plus strand (C>G on the coding strand, the complement: DMXL2 is on the minus strand). VCF-style: chr15-51542430-G-C. GRCh37 (hg19) VCF-style: chr15-51834627-G-C.
Other names: c.1008C>G, p.Pro336= (NM_001174116.3, NM_001174117.3, NM_001378458.1 and 7 more transcripts).
Identifiers: ClinVar variation 4875345 (VCV004875345.2).
Genomic context (GRCh38, chr15:51,542,430, plus strand): 5'-ACAGAGTGCATTTGCATGGTGGGAAATGTGTCTTTGAACTTCATGCATTGCTGTCTGGTC[G>C]GGCATTAATTCAGCATGAGTTACAAGAACAGATGACCTCCTCTGTCCTTTCCTTAAATTT-3'
Protein context (NP_001365386.1, residues 326-346): SVLVTHAELM[Pro336=]DQTAMHEVQR